The following is an entry in ClinVar:

ClinVar aggregate classification (germline): Uncertain significance (1 of 4 stars; one submission).

Submission:

GeneDx
Classification: Uncertain significance. Last evaluated: 2023-03-15. Review status: criteria provided, single submitter. Criteria: GeneDx Variant Classification Process June 2021. Collection method: clinical testing. Allele origin: germline. Affected: yes.
Comment: Has not been previously published as pathogenic or benign to our knowledge; Not observed at significant frequency in large population cohorts (gnomAD); In-frame insertion of 1 amino acid in a non-repeat region; In silico analysis is inconclusive as to whether the variant alters gene splicing. In the absence of RNA/functional studies, the actual effect of this sequence change is unknown.

NM_001032283.3(TMPO):c.668_670dup (p.Tyr223_Ser224insTyr)

Gene: TMPO (thymopoietin; plus strand). Cytogenetic location: 12q23.1.
Variant type: Duplication.
Coding change: c.668_670dup on transcript NM_001032283.3 (MANE Select); coding-DNA positions 668 to 670, 3 bases duplicated (ATT; older notation c.668_670dupATT).
Protein change: p.Tyr223_Ser224insTyr.
Molecular consequence: inframe insertion. On other transcripts: intron variant (2).
Genome position (GRCh38, 1-based): chr12:98,544,234-98,544,236, ATT duplicated; duplicating any 3 consecutive bases within chr12:98,544,233-98,544,236 gives the same sequence; the c. name uses the placement nearest the transcript's 3' end. VCF-style (leftmost placement, unchanged base first): chr12-98544232-C-CTAT. GRCh37 (hg19) VCF-style: chr12-98938010-C-CTAT.
Other names: c.664-208_664-206dup (NM_001307975.2); c.664-2125_664-2123dup (NM_001032284.3).
Identifiers: ClinVar variation 2580062 (VCV002580062.1), dbSNP rs1321510162, ClinGen allele CA481445928.